The following is an entry in ClinVar:

NM_002755.4(MAP2K1):c.961C>A (p.Pro321Thr)

Gene: MAP2K1 (mitogen-activated protein kinase kinase 1; plus strand). Cytogenetic location: 15q22.31.
Variant type: single nucleotide variant.
Coding change: c.961C>A on transcript NM_002755.4 (MANE Select); coding-DNA position 961, C replaced by A.
Protein change: p.Pro321Thr; replaces proline 321 with threonine.
Molecular consequence: missense variant.
Genome position (GRCh38, 1-based): chr15:66,489,215, C>A. VCF-style: chr15-66489215-C-A. GRCh37 (hg19) VCF-style: chr15-66781553-C-A.
Other names: c.817C>A, p.Pro273Thr (NM_001411065.1); short protein forms P273T, P321T.
Identifiers: ClinVar variation 4887906 (VCV004887906.1).

ClinVar aggregate classification (germline): Uncertain significance (1 of 4 stars; one submission).

Submission:

GeneDx
Classification: Uncertain significance. Last evaluated: 2026-02-25. Review status: criteria provided, single submitter. Criteria: GeneDx Variant Classification Process June 2021. Collection method: clinical testing. Allele origin: germline.
Comment: Not observed at significant frequency in large population cohorts (gnomAD); Missense variants in this gene are a common cause of disease and they are underrepresented in the general population; In silico analysis supports that this missense variant has a deleterious effect on protein structure/function; Has not been previously published as pathogenic or benign to our knowledge